The following is an entry in ClinVar:

ClinVar aggregate classification (germline): Likely pathogenic (0 of 4 stars; one submission).

Conditions:
Bernard Soulier syndrome (BSS). Also called: BLEEDING DISORDER, PLATELET-TYPE, 1; GLYCOPROTEIN Ib, PLATELET, DEFICIENCY OF; Platelet Glycoprotein 1b, Deficiency of; VON WILLEBRAND FACTOR RECEPTOR DEFICIENCY; Giant platelet syndrome; Hemorrhagiparous thrombocytic dystrophy. Identifiers: Orphanet 274, MedGen C0005129, MeSH D001606, MONDO:0009276, OMIM 231200.

Allele frequency attached by ClinVar (database versions not stated): gnomAD exomes 0.00001.

Submission:

ISTH-SSC Genomics in Thrombosis and Hemostasis, KU Leuven, Center for Molecular and Vascular Biology
Classification: Likely pathogenic for Bernard Soulier syndrome. Review status: no assertion criteria provided. Collection method: research. Allele origin: unknown. Affected: yes.
Comment: Submitted to GoldVariant by Dr Marie-Christine Morel-Kopp from Northern Blood Research Centre, Sydney, Australia

NM_000173.7(GP1BA):c.1283C>G (p.Ser428Ter)

Gene: GP1BA (glycoprotein Ib platelet subunit alpha; plus strand). Cytogenetic location: 17p13.2.
Variant type: single nucleotide variant.
Coding change: c.1283C>G on transcript NM_000173.7 (MANE Select); coding-DNA position 1283, C replaced by G.
Protein change: p.Ser428Ter; replaces serine 428 with a stop codon.
Molecular consequence: nonsense.
Genome position (GRCh38, 1-based): chr17:4,933,887, C>G. VCF-style: chr17-4933887-C-G. GRCh37 (hg19) VCF-style: chr17-4837182-C-G.
Other names: short protein forms S428*.
Identifiers: ClinVar variation 1684370 (VCV001684370.1), dbSNP rs1375190381, ClinGen allele CA397320766.
Genomic context (GRCh38, chr17:4,933,887, plus strand): 5'-CGACCACCCCAGAGCCCACCTCAGAGCCCGCCCCCAGCCCGACCACCCCGGAGCCCACCT[C>G]AGAGCCCGCCCCCAGCCCGACCACCCCAGAGCCCACCTCAGAGCCCGCCCCCAGCCCGAC-3'